The following is an entry in ClinVar:

ClinVar aggregate classification (germline): Uncertain significance. Review status: criteria provided, multiple submitters, no conflicts (2 of 4 stars). 4 submissions from 4 submitters: Uncertain significance (4). Last evaluated 2026-01-19.

Conditions:
DICER1-related tumor predisposition. Also called: DICER1 syndrome; DICER1-related pleuropulmonary blastoma cancer predisposition syndrome. Identifiers: Orphanet 284343, MedGen C3839822, MONDO:0100216.
Hereditary cancer-predisposing syndrome. Also called: Neoplastic Syndromes, Hereditary; Hereditary neoplastic syndrome; Hereditary Cancer Syndrome; Tumor predisposition. Identifiers: Orphanet 140162, MedGen C0027672, MeSH D009386, MONDO:0015356.
Rhabdomyosarcoma, embryonal, 2 (RMSE2). Identifiers: MedGen C1867234, MONDO:0859046, OMIM 180295.
Pleuropulmonary blastoma (PPB). Identifiers: Orphanet 64742, MedGen C1266144, MONDO:0011014, OMIM 601200, HP:0100528.
Euthyroid goiter (MNG1). Also called: SIMPLE GOITER; Goiter, multinodular 1, with or without Sertoli-Leydig cell tumors; GOITER, NONTOXIC, WITH INTRATHYROIDAL CALCIFICATION; MULTINODULAR GOITER, ADOLESCENT. Identifiers: Orphanet 276399, MedGen C0302859, MONDO:0007681, OMIM 138800, HP:0009798.
Global developmental delay - lung cysts - overgrowth - Wilms tumor syndrome. Also called: GLOBAL DEVELOPMENTAL DELAY, LUNG CYSTS, OVERGROWTH, AND WILMS TUMOR; GLOW Syndrome. Identifiers: Orphanet 404476, MedGen C4748924, MONDO:0018445, OMIM 618272.

Allele frequency attached by ClinVar (database versions not stated): gnomAD exomes below 0.00001; gnomAD 0.00001.

Submissions (4):

Labcorp Genetics (formerly Invitae), Labcorp
Classification: Uncertain significance for DICER1-related tumor predisposition. Last evaluated: 2026-01-19. Review status: criteria provided, single submitter. Criteria: Invitae Variant Classification Sherloc (09022015). Collection method: clinical testing. Allele origin: germline.
Comment: This sequence change replaces asparagine, which is neutral and polar, with lysine, which is basic and polar, at codon 1152 of the DICER1 protein (p.Asn1152Lys). This variant is not present in population databases (gnomAD no frequency). This variant has not been reported in the literature in individuals affected with DICER1-related conditions. ClinVar contains an entry for this variant (Variation ID: 655863). Invitae Evidence Modeling of protein sequence and biophysical properties (such as structural, functional, and spatial information, amino acid conservation, physicochemical variation, residue mobility, and thermodynamic stability) indicates that this missense variant is not expected to disrupt DICER1 protein function with a negative predictive value of 95%. In summary, the available evidence is currently insufficient to determine the role of this variant in disease. Therefore, it has been classified as a Variant of Uncertain Significance.

Fulgent Genetics
Classification: Uncertain significance for Euthyroid goiter; Rhabdomyosarcoma, embryonal, 2; Pleuropulmonary blastoma; Global developmental delay - lung cysts - overgrowth - Wilms tumor syndrome. Last evaluated: 2024-03-24. Review status: criteria provided, single submitter. Criteria: ACMG Guidelines, 2015. Collection method: clinical testing. Allele origin: germline.

Ambry Genetics
Classification: Uncertain significance for Hereditary cancer-predisposing syndrome. Last evaluated: 2024-01-30. Review status: criteria provided, single submitter. Criteria: Ambry Variant Classification Scheme 2023. Collection method: clinical testing. Allele origin: germline.
Comment: The p.N1152K variant (also known as c.3456C>G), located in coding exon 20 of the DICER1 gene, results from a C to G substitution at nucleotide position 3456. The asparagine at codon 1152 is replaced by lysine, an amino acid with similar properties. This amino acid position is poorly conserved in available vertebrate species. In addition, this alteration is predicted to be tolerated by in silico analysis. Based on the available evidence, the clinical significance of this alteration remains unclear.

Sema4
Classification: Uncertain significance for Hereditary cancer-predisposing syndrome. Last evaluated: 2022-01-24. Review status: criteria provided, single submitter. Criteria: Sema4 Curation Guidelines. Collection method: curation. Allele origin: germline.
Comment: The DICER1 c.3456C>G (p.N1152K) variant has not been reported in the literature to our knowledge. This variant was not observed in the large and broad cohorts of the Genome Aggregation Database (PMID: 32461654). This variant has been reported in ClinVar (Variation ID: 655863). In silico tools suggest the impact of the variant on protein function is benign, though these predictions have not been confirmed by functional studies. The evidence is insufficient to meet ACMG/AMP criteria for classifying the variant as benign or pathogenic. Thus, the clinical significance of this variant is currently uncertain.

NM_177438.3(DICER1):c.3456C>G (p.Asn1152Lys)

Gene: DICER1 (dicer 1, ribonuclease III; minus strand). Cytogenetic location: 14q32.13.
Variant type: single nucleotide variant.
Coding change: c.3456C>G on transcript NM_177438.3 (MANE Select); coding-DNA position 3456, C replaced by G.
Protein change: p.Asn1152Lys; replaces asparagine 1152 with lysine.
Molecular consequence: missense variant.
Genome position (GRCh38, 1-based): chr14:95,103,940, G>C on the plus strand (C>G on the coding strand, the complement: DICER1 is on the minus strand). VCF-style: chr14-95103940-G-C. GRCh37 (hg19) VCF-style: chr14-95570277-G-C.
Other names: c.3456C>G, p.Asn1152Lys (NM_001195573.1, NM_001271282.3, NM_001291628.2 and 1 more transcripts); short protein forms N1152K.
Identifiers: ClinVar variation 655863 (VCV000655863.13), dbSNP rs1595366928, ClinGen allele CA390875354.